The following is an entry in ClinVar:

ClinVar aggregate classification (germline): Likely benign (0 of 4 stars; one submission).

Conditions:
ZNF292-related disorder. Also called: ZNF292-related condition.

Allele frequency attached by ClinVar (database versions not stated): gnomAD 0.00004; gnomAD exomes 0.00008; TOPMed 0.00008; ExAC 0.00012.
gnomAD v4.1: 53 of 1,613,730 alleles (0.0033%); highest among the groups gnomAD compares: Admixed American, 0.085%; 1 homozygote.

Submission:

PreventionGenetics, part of Exact Sciences
Classification: Likely benign for ZNF292-related condition. Last evaluated: 2019-06-27. Review status: no assertion criteria provided. Collection method: clinical testing. Allele origin: germline.
Comment: This variant is classified as likely benign based on ACMG/AMP sequence variant interpretation guidelines (Richards et al. 2015 PMID: 25741868, with internal and published modifications).

NM_015021.3(ZNF292):c.2178C>T (p.Tyr726=)

Gene: ZNF292 (zinc finger protein 292; plus strand). Cytogenetic location: 6q14.3.
Variant type: single nucleotide variant.
Coding change: c.2178C>T on transcript NM_015021.3 (MANE Select); coding-DNA position 2178, C replaced by T.
Protein change: p.Tyr726=; no amino-acid change (tyrosine 726 retained).
Molecular consequence: synonymous variant.
Genome position (GRCh38, 1-based): chr6:87,255,807, C>T. VCF-style: chr6-87255807-C-T. GRCh37 (hg19) VCF-style: chr6-87965525-C-T.
Other names: c.1758C>T, p.Tyr586= (NM_001351444.2).
Identifiers: ClinVar variation 3043259 (VCV003043259.2), dbSNP rs753507047, ClinGen allele CA3913929.
Genomic context (GRCh38, chr6:87,255,807, plus strand): 5'-AGATAATGAAGACGCCAAGCGCTTTCTTGAAATGCAGAGCAAAAAAGTTATTTGCCAGTA[C>T]TGTAGGCGGCATTTTGTGAGTGTTACTCATCTCAATGATCACTTACAGATGCACTGTGGC-3'
Protein context (NP_055836.1, residues 716-736): EMQSKKVICQ[Tyr726=]CRRHFVSVTH